The following is an entry in ClinVar:

ClinVar aggregate classification (germline): Benign/Likely benign. Review status: criteria provided, multiple submitters, no conflicts (2 of 4 stars). 3 submissions from 3 submitters: Benign (1); Likely benign (2). Last evaluated 2026-02-01.

Conditions:
Microcephaly, normal intelligence and immunodeficiency (NBS). Also called: IMMUNODEFICIENCY, MICROCEPHALY, AND CHROMOSOMAL INSTABILITY; SEEMANOVA SYNDROME II; Immunodeficiency, microcephaly with normal intelligence; BERLIN BREAKAGE SYNDROME; Nijmegen breakage syndrome; Microcephaly with normal intelligence immunodeficiency and lymphoreticular malignancies. Identifiers: Orphanet 647, MedGen C0398791, MONDO:0009623, OMIM 251260.

Allele frequency attached by ClinVar (database versions not stated): gnomAD 0.00004 and 0.00007; TOPMed 0.00012; 1000 Genomes Project 30x 0.00031; 1000 Genomes Project 0.00040.
gnomAD v4.1: 233 of 1,607,574 alleles (0.014%); highest among the groups gnomAD compares: East Asian, 0.51%; no homozygotes.

Submissions (3):

Labcorp Genetics (formerly Invitae), Labcorp
Classification: Benign for Microcephaly, normal intelligence and immunodeficiency. Last evaluated: 2026-02-01. Review status: criteria provided, single submitter. Criteria: Invitae Variant Classification Sherloc (09022015). Collection method: clinical testing. Allele origin: germline.

Blueprint Genetics
Classification: Likely benign. Last evaluated: 2023-10-18. Review status: criteria provided, single submitter. Criteria: ACMG Guidelines, 2015. Collection method: clinical testing. Allele origin: germline.

GeneDx
Classification: Likely benign. Last evaluated: 2017-11-22. Review status: criteria provided, single submitter. Criteria: GeneDx Variant Classification (06012015). Collection method: clinical testing. Allele origin: germline. Affected: yes.
Comment: This variant is considered likely benign or benign based on one or more of the following criteria: it is a conservative change, it occurs at a poorly conserved position in the protein, it is predicted to be benign by multiple in silico algorithms, and/or has population frequency not consistent with disease.

NM_002485.5(NBN):c.702+16G>C

Gene: NBN (nibrin; minus strand). Cytogenetic location: 8q21.3.
Variant type: single nucleotide variant.
Coding change: c.702+16G>C on transcript NM_002485.5 (MANE Select); 16 bases into the intron after coding-DNA position 702, G replaced by C.
Molecular consequence: intron variant.
Genome position (GRCh38, 1-based): chr8:89,971,157, C>G on the plus strand (G>C on the coding strand, the complement: NBN is on the minus strand). VCF-style: chr8-89971157-C-G. GRCh37 (hg19) VCF-style: chr8-90983385-C-G.
Other names: c.456+16G>C (NM_001024688.3).
Identifiers: ClinVar variation 234384 (VCV000234384.10), dbSNP rs2272581, ClinGen allele CA4802907.